The following is an entry in ClinVar:

ClinVar aggregate classification (germline): Uncertain significance (1 of 4 stars; one submission).

Conditions:
Tuberous sclerosis 1 (TSC1). Identifiers: Orphanet 805, MedGen C1854465, MONDO:0008612, OMIM 191100.

Submission:

Labcorp Genetics (formerly Invitae), Labcorp
Classification: Uncertain significance for Tuberous sclerosis 1. Last evaluated: 2021-02-12. Review status: criteria provided, single submitter. Criteria: Invitae Variant Classification Sherloc (09022015). Collection method: clinical testing. Allele origin: germline.
Comment: In summary, the available evidence is currently insufficient to determine the role of this variant in disease. Therefore, it has been classified as a Variant of Uncertain Significance. Algorithms developed to predict the effect of missense changes on protein structure and function are either unavailable or do not agree on the potential impact of this missense change (SIFT: "Tolerated"; PolyPhen-2: "Probably Damaging"; Align-GVGD: "Class C0"). This variant has not been reported in the literature in individuals with TSC1-related conditions. This variant is not present in population databases (ExAC no frequency). This sequence change replaces valine with alanine at codon 454 of the TSC1 protein (p.Val454Ala). The valine residue is moderately conserved and there is a small physicochemical difference between valine and alanine.

NM_000368.5(TSC1):c.1361T>C (p.Val454Ala)

Gene: TSC1 (TSC complex subunit 1; minus strand). Cytogenetic location: 9q34.13.
Variant type: single nucleotide variant.
Coding change: c.1361T>C on transcript NM_000368.5 (MANE Select); coding-DNA position 1361, T replaced by C.
Protein change: p.Val454Ala; replaces valine 454 with alanine.
Molecular consequence: missense variant.
Genome position (GRCh38, 1-based): chr9:132,906,808, A>G on the plus strand (T>C on the coding strand, the complement: TSC1 is on the minus strand). VCF-style: chr9-132906808-A-G. GRCh37 (hg19) VCF-style: chr9-135782195-A-G.
Other names: c.1358T>C, p.Val453Ala (NM_001162426.2); c.1208T>C, p.Val403Ala (NM_001162427.2); c.998T>C, p.Val333Ala (NM_001362177.2); short protein forms V403A, V333A, V453A, V454A.
Identifiers: ClinVar variation 1437746 (VCV001437746.8), dbSNP rs2131867114, ClinGen allele CA375366005.